The following is an entry in ClinVar:

NM_020066.5(FMN2):c.2127A>G (p.Gln709=)

Gene: FMN2 (formin 2; plus strand). Cytogenetic location: 1q43.
Variant type: single nucleotide variant.
Coding change: c.2127A>G on transcript NM_020066.5 (MANE Select); coding-DNA position 2127, A replaced by G.
Protein change: p.Gln709=; no amino-acid change (glutamine 709 retained).
Molecular consequence: synonymous variant. On other transcripts: intron variant (1).
Genome position (GRCh38, 1-based): chr1:240,206,939, A>G. VCF-style: chr1-240206939-A-G. GRCh37 (hg19) VCF-style: chr1-240370239-A-G.
Other names: c.2139A>G, p.Gln713= (NM_001305424.2); c.1986+18677A>G (NM_001348094.2).
Identifiers: ClinVar variation 3029381 (VCV003029381.2), dbSNP rs1327039635, ClinGen allele CA424384861.

ClinVar aggregate classification (germline): Likely benign (0 of 4 stars; one submission).

Conditions:
FMN2-related disorder. Also called: FMN2-related condition.

Allele frequency attached by ClinVar (database versions not stated): gnomAD 0.00001; gnomAD exomes 0.00001; TOPMed 0.00001.
gnomAD v4.1: 10 of 1,614,064 alleles (0.00062%); highest among the groups gnomAD compares: Non-Finnish European, 0.00085%; no homozygotes.

Submission:

PreventionGenetics, part of Exact Sciences
Classification: Likely benign for FMN2-related condition. Last evaluated: 2021-04-29. Review status: no assertion criteria provided. Collection method: clinical testing. Allele origin: germline.
Comment: This variant is classified as likely benign based on ACMG/AMP sequence variant interpretation guidelines (Richards et al. 2015 PMID: 25741868, with internal and published modifications).